The following is an entry in ClinVar:

NM_020937.4(FANCM):c.3794A>G (p.Glu1265Gly)

Gene: FANCM (FA complementation group M; plus strand). Cytogenetic location: 14q21.2.
Variant type: single nucleotide variant.
Coding change: c.3794A>G on transcript NM_020937.4 (MANE Select); coding-DNA position 3794, A replaced by G.
Protein change: p.Glu1265Gly; replaces glutamic acid 1265 with glycine.
Molecular consequence: missense variant.
Genome position (GRCh38, 1-based): chr14:45,176,548, A>G. VCF-style: chr14-45176548-A-G. GRCh37 (hg19) VCF-style: chr14-45645751-A-G.
Other names: c.3716A>G, p.Glu1239Gly (NM_001308133.2); short protein forms E1265G, E1239G.
Identifiers: ClinVar variation 861151 (VCV000861151.11), dbSNP rs763808637, ClinGen allele CA7169575.

ClinVar aggregate classification (germline): Uncertain significance. Review status: criteria provided, multiple submitters, no conflicts (2 of 4 stars). 4 submissions from 4 submitters: Uncertain significance (4). Last evaluated 2024-08-07.

Conditions:
Spermatogenic failure 28. Identifiers: MedGen C4748117, MONDO:0054732, OMIM 618086.
Fanconi anemia (FA). Also called: Fanconi's anemia. Identifiers: Orphanet 84, MedGen C0015625, MeSH D005199, MONDO:0019391.

Allele frequency attached by ClinVar (database versions not stated): gnomAD exomes 0.00006 and 0.00003; gnomAD 0.00007 and 0.00006; TOPMed 0.00007; ExAC 0.00006.
gnomAD v4.1: 27 of 1,601,230 alleles (0.0017%); highest among the groups gnomAD compares: Admixed American, 0.046%; no homozygotes.

Submissions (4):

Labcorp Genetics (formerly Invitae), Labcorp
Classification: Uncertain significance for Fanconi anemia. Last evaluated: 2024-08-07. Review status: criteria provided, single submitter. Criteria: Invitae Variant Classification Sherloc (09022015). Collection method: clinical testing. Allele origin: germline.
Comment: This sequence change replaces glutamic acid, which is acidic and polar, with glycine, which is neutral and non-polar, at codon 1265 of the FANCM protein (p.Glu1265Gly). This variant is present in population databases (rs763808637, gnomAD 0.05%). This variant has not been reported in the literature in individuals affected with FANCM-related conditions. ClinVar contains an entry for this variant (Variation ID: 861151). An algorithm developed to predict the effect of missense changes on protein structure and function outputs the following: PolyPhen-2: "Benign". The glycine amino acid residue is found in multiple mammalian species, which suggests that this missense change does not adversely affect protein function. In summary, the available evidence is currently insufficient to determine the role of this variant in disease. Therefore, it has been classified as a Variant of Uncertain Significance.

Quest Diagnostics Nichols Institute San Juan Capistrano
Classification: Uncertain significance. Last evaluated: 2024-03-29. Review status: criteria provided, single submitter. Criteria: Quest Diagnostics criteria. Collection method: clinical testing. Allele origin: unknown.
Comment: The FANCM c.3794A>G (p.Glu1265Gly) variant has not been reported in individuals with FANCM-related conditions in the published literature. The frequency of this variant in the general population, 0.00046 (15/32870 chromosomes (Genome Aggregation Database)), is uninformative in the assessment of its pathogenicity. Analysis of this variant using bioinformatics tools for the prediction of the effect of amino acid changes on protein structure and function yielded predictions that this variant is benign. Based on the available information, we are unable to determine the clinical significance of this variant.

GeneDx
Classification: Uncertain significance. Last evaluated: 2024-03-01. Review status: criteria provided, single submitter. Criteria: GeneDx Variant Classification Process June 2021. Collection method: clinical testing. Allele origin: germline. Affected: yes.
Comment: In silico analysis supports that this missense variant does not alter protein structure/function; Has not been previously published as pathogenic or benign to our knowledge

Baylor Genetics
Classification: Uncertain significance for Spermatogenic failure 28. Last evaluated: 2020-08-27. Review status: criteria provided, single submitter. Criteria: ACMG Guidelines, 2015. Collection method: clinical testing. Allele origin: unknown. Affected: yes. Study: CSER-TexasKidsCanSeq.
Comment: This variant was determined to be of uncertain significance according to ACMG Guidelines, 2015 [PMID:25741868].